The following is an entry in ClinVar:

ClinVar aggregate classification (germline): Uncertain significance (1 of 4 stars; one submission).

Conditions:
Glycine encephalopathy. Also called: Non-ketotic hyperglycinemia; Nonketotic hyperglycinemia. Identifiers: Orphanet 407, MedGen C0751748, MONDO:0011612, HP:0008288.

Submission:

Labcorp Genetics (formerly Invitae), Labcorp
Classification: Uncertain significance for Glycine encephalopathy. Last evaluated: 2021-09-01. Review status: criteria provided, single submitter. Criteria: Invitae Variant Classification Sherloc (09022015). Collection method: clinical testing. Allele origin: germline.
Comment: This sequence change replaces leucine with methionine at codon 243 of the AMT protein (p.Leu243Met). The leucine residue is highly conserved and there is a small physicochemical difference between leucine and methionine. This variant is not present in population databases (ExAC no frequency). This variant has not been reported in the literature in individuals affected with AMT-related conditions. Algorithms developed to predict the effect of missense changes on protein structure and function are either unavailable or do not agree on the potential impact of this missense change (SIFT: "Deleterious"; PolyPhen-2: "Possibly Damaging"; Align-GVGD: "Class C0"). In summary, the available evidence is currently insufficient to determine the role of this variant in disease. Therefore, it has been classified as a Variant of Uncertain Significance.

NM_000481.4(AMT):c.727C>A (p.Leu243Met)

Gene: AMT (aminomethyltransferase; minus strand). Cytogenetic location: 3p21.31.
Variant type: single nucleotide variant.
Coding change: c.727C>A on transcript NM_000481.4 (MANE Select); coding-DNA position 727, C replaced by A.
Protein change: p.Leu243Met; replaces leucine 243 with methionine.
Molecular consequence: missense variant. On other transcripts: non-coding transcript variant (1).
Genome position (GRCh38, 1-based): chr3:49,419,121, G>T on the plus strand (C>A on the coding strand, the complement: AMT is on the minus strand). VCF-style: chr3-49419121-G-T. GRCh37 (hg19) VCF-style: chr3-49456554-G-T.
Other names: c.595C>A, p.Leu199Met (NM_001164710.2); c.559C>A, p.Leu187Met (NM_001164711.2); c.727C>A, p.Leu243Met (NM_001164712.2); short protein forms L199M, L243M, L187M.
Identifiers: ClinVar variation 653168 (VCV000653168.3), dbSNP rs1575304886, ClinGen allele CA352789970.